The following is an entry in ClinVar:

NM_001961.4(EEF2):c.349G>A (p.Ala117Thr)

Gene: EEF2 (eukaryotic translation elongation factor 2; minus strand). Cytogenetic location: 19p13.3.
Variant type: single nucleotide variant.
Coding change: c.349G>A on transcript NM_001961.4 (MANE Select); coding-DNA position 349, G replaced by A.
Protein change: p.Ala117Thr; replaces alanine 117 with threonine.
Molecular consequence: missense variant.
Genome position (GRCh38, 1-based): chr19:3,983,161, C>T on the plus strand (G>A on the coding strand, the complement: EEF2 is on the minus strand). VCF-style: chr19-3983161-C-T. GRCh37 (hg19) VCF-style: chr19-3983159-C-T.
Other names: short protein forms A117T.
Identifiers: ClinVar variation 2573982 (VCV002573982.1), dbSNP rs2512206875, ClinGen allele CA403395105.

ClinVar aggregate classification (germline): Uncertain significance (1 of 4 stars; one submission).

Submission:

GeneDx
Classification: Uncertain significance. Last evaluated: 2023-01-19. Review status: criteria provided, single submitter. Criteria: GeneDx Variant Classification Process June 2021. Collection method: clinical testing. Allele origin: germline. Affected: yes.
Comment: Not observed at significant frequency in large population cohorts (gnomAD); In silico analysis supports that this missense variant has a deleterious effect on protein structure/function; Has not been previously published as pathogenic or benign to our knowledge